The following is an entry in ClinVar:

ClinVar aggregate classification (germline): Benign/Likely benign. Review status: criteria provided, multiple submitters, no conflicts (2 of 4 stars). 4 submissions from 4 submitters: Benign (1); Likely benign (3). Last evaluated 2024-12-19.

Conditions:
Hereditary cancer-predisposing syndrome. Also called: Hereditary Cancer Syndrome; Hereditary neoplastic syndrome; Neoplastic Syndromes, Hereditary; Tumor predisposition. Identifiers: Orphanet 140162, MedGen C0027672, MeSH D009386, MONDO:0015356.
Lynch syndrome 5 (LYNCH5). Also called: Hereditary non-polyposis colorectal cancer, type 5; Colorectal cancer, hereditary nonpolyposis, type 5. Identifiers: Orphanet 144, MedGen C1833477, MONDO:0013710, OMIM 614350. Disease mechanism: loss of function.
Hereditary nonpolyposis colorectal neoplasms. Identifiers: MedGen C0009405, MeSH D003123.

Submissions (4):

Myriad Genetics, Inc.
Classification: Benign for Lynch syndrome 5. Last evaluated: 2024-12-19. Review status: criteria provided, single submitter. Criteria: Myriad Autosomal Dominant, Autosomal Recessive and X-Linked Classification Criteria (2023). Collection method: clinical testing. Allele origin: unknown.
Comment: This variant is considered benign. This variant is a silent/synonymous amino acid change and it is not expected to impact splicing.

Labcorp Genetics (formerly Invitae), Labcorp
Classification: Likely benign for Hereditary nonpolyposis colorectal neoplasms. Last evaluated: 2022-02-01. Review status: criteria provided, single submitter. Criteria: Invitae Variant Classification Sherloc (09022015). Collection method: clinical testing. Allele origin: germline.

Ambry Genetics
Classification: Likely benign for Hereditary cancer-predisposing syndrome. Last evaluated: 2021-05-30. Review status: criteria provided, single submitter. Criteria: Ambry Variant Classification Scheme 2023. Collection method: clinical testing. Allele origin: germline.

GeneDx
Classification: Likely benign. Last evaluated: 2016-05-12. Review status: criteria provided, single submitter. Criteria: GeneDx Variant Classification (06012015). Collection method: clinical testing. Allele origin: germline. Affected: yes.
Comment: This variant is considered likely benign or benign based on one or more of the following criteria: it is a conservative change, it occurs at a poorly conserved position in the protein, it is predicted to be benign by multiple in silico algorithms, and/or has population frequency not consistent with disease.

NM_000179.3(MSH6):c.546C>T (p.Ala182=)

Gene: MSH6 (mutS homolog 6; plus strand). Cytogenetic location: 2p16.3.
Variant type: single nucleotide variant.
Coding change: c.546C>T on transcript NM_000179.3 (MANE Select); coding-DNA position 546, C replaced by T.
Protein change: p.Ala182=; no amino-acid change (alanine 182 retained).
Molecular consequence: synonymous variant. On other transcripts: 5 prime UTR variant (1), intron variant (2).
Genome position (GRCh38, 1-based): chr2:47,795,982, C>T. VCF-style: chr2-47795982-C-T. GRCh37 (hg19) VCF-style: chr2-48023121-C-T.
Other names: c.-357C>T (NM_001281494.2); c.-279-2629C>T (NM_001281493.2); c.238-2629C>T (NM_001281492.2).
Identifiers: ClinVar variation 386215 (VCV000386215.13), dbSNP rs1057522452, ClinGen allele CA16604297.